The following is an entry in ClinVar:

NM_032578.4(MYPN):c.1245+17G>A

Gene: MYPN (myopalladin; plus strand). Cytogenetic location: 10q21.3.
Variant type: single nucleotide variant.
Coding change: c.1245+17G>A on transcript NM_032578.4 (MANE Select); 17 bases into the intron after coding-DNA position 1245, G replaced by A.
Molecular consequence: intron variant.
Genome position (GRCh38, 1-based): chr10:68,148,484, G>A. VCF-style: chr10-68148484-G-A. GRCh37 (hg19) VCF-style: chr10-69908241-G-A.
Other names: c.1245+17G>A (NM_001256267.2); c.363+17G>A (NM_001256268.2).
Identifiers: ClinVar variation 138416 (VCV000138416.16), dbSNP rs2200897, ClinGen allele CA333118.

ClinVar aggregate classification (germline): Benign. Review status: criteria provided, multiple submitters, no conflicts (2 of 4 stars). 6 submissions from 6 submitters: Benign (4). 2 of the submissions do not count toward it. Last evaluated 2026-02-03.

Conditions:
Dilated cardiomyopathy 1KK (CMD1KK). Identifiers: Orphanet 154, Orphanet 75249, MedGen C3714995, MONDO:0014100, OMIM 615248.

Allele frequency attached by ClinVar (database versions not stated): ESP Exome Variant Server 0.08435; gnomAD 0.09036 and 0.09194; ExAC 0.09285; gnomAD exomes 0.09712; TOPMed 0.09789; 1000 Genomes Project 30x 0.11633; 1000 Genomes Project 0.12161.
gnomAD v4.1: 119,207 of 1,591,326 alleles (7.5%); highest among the groups gnomAD compares: East Asian, 16%; 5,471 homozygotes.

Submissions (6):

Labcorp Genetics (formerly Invitae), Labcorp
Classification: Benign for Dilated cardiomyopathy 1KK. Last evaluated: 2026-02-03. Review status: criteria provided, single submitter. Criteria: Invitae Variant Classification Sherloc (09022015). Collection method: clinical testing. Allele origin: germline.

Clinical Genetics DNA and cytogenetics Diagnostics Lab, Erasmus MC, Erasmus Medical Center
Classification: Benign for Dilated cardiomyopathy 1KK. Last evaluated: 2015-09-21. Review status: criteria provided, single submitter. Criteria: ACGS Guidelines, 2013. Collection method: clinical testing. Allele origin: germline. Affected: yes. Study: VKGL Data-share Consensus.

GeneDx
Classification: Benign. Last evaluated: 2014-01-20. Review status: criteria provided, single submitter. Criteria: GeneDx Variant Classification (06012015). Collection method: clinical testing. Allele origin: germline. Affected: yes.
Comment: This variant is considered likely benign or benign based on one or more of the following criteria: it is a conservative change, it occurs at a poorly conserved position in the protein, it is predicted to be benign by multiple in silico algorithms, and/or has population frequency not consistent with disease.

Breakthrough Genomics
Classification: Benign. Review status: criteria provided, single submitter. Criteria: ACMG Guidelines, 2015. Collection method: not provided. Allele origin: germline. Inheritance: Autosomal recessive inheritance. Affected: yes.

Clinical Genetics, Academic Medical Center
Classification: Benign. Review status: no assertion criteria provided. Collection method: clinical testing. Allele origin: germline. Affected: yes. Study: VKGL Data-share Consensus. Not counted in ClinVar's aggregate classification.

Joint Genome Diagnostic Labs from Nijmegen and Maastricht, Radboudumc and MUMC+
Classification: Benign. Review status: no assertion criteria provided. Collection method: clinical testing. Allele origin: germline. Affected: yes. Study: VKGL Data-share Consensus. Not counted in ClinVar's aggregate classification.